The following is an entry in ClinVar:

ClinVar aggregate classification (germline): Uncertain significance (1 of 4 stars; one submission).

Conditions:
Granulomatous disease, chronic, autosomal recessive, cytochrome b-positive, type 3. Also called: GRANULOMATOUS DISEASE, CHRONIC, DUE TO NCF4 DEFICIENCY; GRANULOMATOUS DISEASE, CHRONIC, AUTOSOMAL RECESSIVE, 3; CGD, AUTOSOMAL RECESSIVE CYTOCHROME b-POSITIVE, TYPE III; Granulomatous disease, chronic, autosomal recessive, cytochrome b-positive, type III. Identifiers: Orphanet 379, MedGen C3151409, MONDO:0013507, OMIM 613960.

Submission:

Labcorp Genetics (formerly Invitae), Labcorp
Classification: Uncertain significance for Granulomatous disease, chronic, autosomal recessive, cytochrome b-positive, type 3. Last evaluated: 2022-03-15. Review status: criteria provided, single submitter. Criteria: Invitae Variant Classification Sherloc (09022015). Collection method: clinical testing. Allele origin: germline.
Comment: In summary, the available evidence is currently insufficient to determine the role of this variant in disease. Therefore, it has been classified as a Variant of Uncertain Significance. Algorithms developed to predict the effect of missense changes on protein structure and function are either unavailable or do not agree on the potential impact of this missense change (SIFT: "Deleterious"; PolyPhen-2: "Probably Damaging"; Align-GVGD: "Class C0"). This variant has not been reported in the literature in individuals affected with NCF4-related conditions. This variant is present in population databases (rs766859628, gnomAD 0.0009%). This sequence change replaces glycine, which is neutral and non-polar, with alanine, which is neutral and non-polar, at codon 34 of the NCF4 protein (p.Gly34Ala).

NM_000631.5(NCF4):c.101G>C (p.Gly34Ala)

Genes: NCF4 (neutrophil cytosolic factor 4; plus strand), NCF4-AS1 (NCF4 antisense RNA 1; minus strand). Cytogenetic location: 22q12.3.
Variant type: single nucleotide variant.
Coding change: c.101G>C on transcript NM_000631.5 (MANE Select); coding-DNA position 101, G replaced by C.
Protein change: p.Gly34Ala; replaces glycine 34 with alanine.
Molecular consequence: missense variant.
Genome position (GRCh38, 1-based): chr22:36,864,113, G>C. VCF-style: chr22-36864113-G-C. GRCh37 (hg19) VCF-style: chr22-37260155-G-C.
Other names: c.101G>C, p.Gly34Ala (NM_013416.4); short protein forms G34A.
Identifiers: ClinVar variation 2063012 (VCV002063012.4), dbSNP rs766859628, ClinGen allele CA10212837.
Genomic context (GRCh38, chr22:36,864,113, plus strand): 5'-AACAGCTTCCGGATGATGTTGCCATCTCGGCCAACATTGCTGACATCGAGGAGAAGAGAG[G>C]CTTCACCAGCCACTTTGTAAGACAGACTCCTAGTCCTTCACCCAACAACCTCTGAACTTC-3'
Protein context (NP_000622.2, residues 24-44): ANIADIEEKR[Gly34Ala]FTSHFVFVIE